The following is an entry in ClinVar:

ClinVar aggregate classification (germline): Uncertain significance (1 of 4 stars; one submission).

Submission:

Labcorp Genetics (formerly Invitae), Labcorp
Classification: Uncertain significance. Last evaluated: 2022-01-04. Review status: criteria provided, single submitter. Criteria: Invitae Variant Classification Sherloc (09022015). Collection method: clinical testing. Allele origin: germline.
Comment: This sequence change replaces tryptophan, which is neutral and slightly polar, with arginine, which is basic and polar, at codon 61 of the ELOVL4 protein (p.Trp61Arg). This variant is not present in population databases (gnomAD no frequency). In summary, the available evidence is currently insufficient to determine the role of this variant in disease. Therefore, it has been classified as a Variant of Uncertain Significance. Algorithms developed to predict the effect of missense changes on protein structure and function (SIFT, PolyPhen-2, Align-GVGD) all suggest that this variant is likely to be tolerated. This variant has not been reported in the literature in individuals affected with ELOVL4-related conditions.

NM_022726.4(ELOVL4):c.181T>C (p.Trp61Arg)

Gene: ELOVL4 (ELOVL fatty acid elongase 4; minus strand). Cytogenetic location: 6q14.1.
Variant type: single nucleotide variant.
Coding change: c.181T>C on transcript NM_022726.4 (MANE Select); coding-DNA position 181, T replaced by C.
Protein change: p.Trp61Arg; replaces tryptophan 61 with arginine.
Molecular consequence: missense variant.
Genome position (GRCh38, 1-based): chr6:79,926,301, A>G on the plus strand (T>C on the coding strand, the complement: ELOVL4 is on the minus strand). VCF-style: chr6-79926301-A-G. GRCh37 (hg19) VCF-style: chr6-80636018-A-G.
Other names: short protein forms W61R.
Identifiers: ClinVar variation 2073522 (VCV002073522.4), dbSNP rs2532980761, ClinGen allele CA364657501.